The following is an entry in ClinVar:

NM_006908.5(RAC1):c.510C>T (p.Asp170=)

Gene: RAC1 (Rac family small GTPase 1; plus strand). Cytogenetic location: 7p22.1.
Variant type: single nucleotide variant.
Coding change: c.510C>T on transcript NM_006908.5 (MANE Select); coding-DNA position 510, C replaced by T.
Protein change: p.Asp170=; no amino-acid change (aspartic acid 170 retained).
Molecular consequence: synonymous variant.
Genome position (GRCh38, 1-based): chr7:6,402,377, C>T. VCF-style: chr7-6402377-C-T. GRCh37 (hg19) VCF-style: chr7-6442008-C-T.
Other names: c.567C>T, p.Asp189= (NM_018890.4).
Identifiers: ClinVar variation 784106 (VCV000784106.12), dbSNP rs2303365, ClinGen allele CA4153796.

ClinVar aggregate classification (germline): Benign/Likely benign. Review status: criteria provided, multiple submitters, no conflicts (2 of 4 stars). 2 submissions from 2 submitters: Benign (1); Likely benign (1). Last evaluated 2026-02-01.

Allele frequency attached by ClinVar (database versions not stated): gnomAD 0.00007 and 0.00028; ESP Exome Variant Server 0.00008; TOPMed 0.00013; gnomAD exomes 0.00020 and 0.00021; ExAC 0.00026; 1000 Genomes Project 30x 0.00109; 1000 Genomes Project 0.00140.
gnomAD v4.1: 354 of 1,611,770 alleles (0.022%); highest among the groups gnomAD compares: East Asian, 0.51%; 3 homozygotes.

Submissions (2):

CeGaT Center for Human Genetics Tuebingen
Classification: Likely benign. Last evaluated: 2026-02-01. Review status: criteria provided, single submitter. Criteria: CeGaT Center For Human Genetics Tuebingen Variant Classification Criteria Version 2. Collection method: clinical testing. Allele origin: germline. Affected: yes. Observed: 2 variant alleles.
Comment: RAC1: BP4, BP7

Labcorp Genetics (formerly Invitae), Labcorp
Classification: Benign. Last evaluated: 2019-12-31. Review status: criteria provided, single submitter. Criteria: Invitae Variant Classification Sherloc (09022015). Collection method: clinical testing. Allele origin: germline.